The following is an entry in ClinVar:

ClinVar aggregate classification (germline): Uncertain significance. Review status: criteria provided, multiple submitters, no conflicts (2 of 4 stars). 2 submissions from 2 submitters: Uncertain significance (2). Last evaluated 2025-02-17.

Conditions:
Familial adenomatous polyposis 1 (FAP1). Also called: POLYPOSIS, ADENOMATOUS INTESTINAL; FAMILIAL ADENOMATOUS POLYPOSIS 1, ATTENUATED. Identifiers: MedGen C2713442, MONDO:0021056, OMIM 175100. Disease mechanism: loss of function.
Hereditary cancer-predisposing syndrome. Also called: Tumor predisposition; Hereditary Cancer Syndrome; Neoplastic Syndromes, Hereditary; Hereditary neoplastic syndrome. Identifiers: Orphanet 140162, MedGen C0027672, MeSH D009386, MONDO:0015356.

Submissions (2):

Labcorp Genetics (formerly Invitae), Labcorp
Classification: Uncertain significance for Familial adenomatous polyposis 1. Last evaluated: 2025-02-17. Review status: criteria provided, single submitter. Criteria: Invitae Variant Classification Sherloc (09022015). Collection method: clinical testing. Allele origin: germline.
Comment: This sequence change replaces glycine, which is neutral and non-polar, with glutamic acid, which is acidic and polar, at codon 1677 of the APC protein (p.Gly1677Glu). This variant is not present in population databases (gnomAD no frequency). This variant has not been reported in the literature in individuals affected with APC-related conditions. ClinVar contains an entry for this variant (Variation ID: 1332420). Invitae Evidence Modeling of protein sequence and biophysical properties (such as structural, functional, and spatial information, amino acid conservation, physicochemical variation, residue mobility, and thermodynamic stability) indicates that this missense variant is not expected to disrupt APC protein function with a negative predictive value of 95%. In summary, the available evidence is currently insufficient to determine the role of this variant in disease. Therefore, it has been classified as a Variant of Uncertain Significance.

Color Diagnostics, LLC DBA Color Health
Classification: Uncertain significance for Hereditary cancer-predisposing syndrome. Last evaluated: 2024-03-07. Review status: criteria provided, single submitter. Criteria: ACMG Guidelines, 2015. Collection method: clinical testing. Allele origin: germline.
Comment: This missense variant replaces glycine with glutamic acid at codon 1677 of the APC protein. Computational prediction suggests that this variant may not impact protein structure and function (internally defined REVEL score threshold <= 0.5, PMID: 27666373). To our knowledge, functional studies have not been reported for this variant. This variant has not been reported in individuals affected with hereditary cancer in the literature. This variant has not been identified in the general population by the Genome Aggregation Database (gnomAD). The available evidence is insufficient to determine the role of this variant in disease conclusively. Therefore, this variant is classified as a Variant of Uncertain Significance.

NM_000038.6(APC):c.5030G>A (p.Gly1677Glu)

Gene: APC (APC regulator of Wnt signaling pathway; plus strand). Cytogenetic location: 5q22.2.
Variant type: single nucleotide variant.
Coding change: c.5030G>A on transcript NM_000038.6 (MANE Select); coding-DNA position 5030, G replaced by A.
Protein change: p.Gly1677Glu; replaces glycine 1677 with glutamic acid.
Molecular consequence: missense variant.
Genome position (GRCh38, 1-based): chr5:112,840,624, G>A. VCF-style: chr5-112840624-G-A. GRCh37 (hg19) VCF-style: chr5-112176321-G-A.
Other names: c.5030G>A, p.Gly1677Glu (NM_001127510.3, NM_001354895.2); c.4976G>A, p.Gly1659Glu (NM_001127511.3); c.5084G>A, p.Gly1695Glu (NM_001354896.2); c.5060G>A, p.Gly1687Glu (NM_001354897.2); c.4955G>A, p.Gly1652Glu (NM_001354898.2); c.4946G>A, p.Gly1649Glu (NM_001354899.2); c.4907G>A, p.Gly1636Glu (NM_001354900.2); c.4853G>A, p.Gly1618Glu (NM_001354901.2); and 5 more; short protein forms G1394E, G1517E, G1551E, G1576E, G1586E, G1618E, G1636E, G1649E.
Identifiers: ClinVar variation 1332420 (VCV001332420.4), dbSNP rs2149930246, ClinGen allele CA16032334.